The following is an entry in ClinVar:

ClinVar aggregate classification (germline): Conflicting classifications of pathogenicity. Review status: criteria provided, conflicting classifications (1 of 4 stars). 2 submissions from 2 submitters: Uncertain significance (1); Likely benign (1). Last evaluated 2025-06-10.

Conditions:
Cardiomyopathy (CMYO). Also called: Cardiomyopathies. Identifiers: Orphanet 167848, MedGen C0878544, MONDO:0004994, HP:0001638. Inheritance: Various modes of inheritance.
Hypertrophic cardiomyopathy. Also called: HYPERTROPHIC MYOCARDIOPATHY. Identifiers: Orphanet 217569, MedGen C0007194, MeSH D002312, MONDO:0005045, HP:0001639.

Submissions (2):

Color Diagnostics, LLC DBA Color Health
Classification: Uncertain significance for Cardiomyopathy. Last evaluated: 2025-06-10. Review status: criteria provided, single submitter. Criteria: ACMG Guidelines, 2015. Collection method: clinical testing. Allele origin: germline.
Comment: This variant deletes four nucleotides in intron 32 of the MYBPC3 gene. To our knowledge, functional studies have not been reported for this variant. This variant has not been reported in individuals affected with MYBPC3-related disorders in the literature. This variant has been identified in 1/248488 chromosomes in the general population by the Genome Aggregation Database (gnomAD). The available evidence is insufficient to determine the role of this variant in disease conclusively. Therefore, this variant is classified as a Variant of Uncertain Significance.

Labcorp Genetics (formerly Invitae), Labcorp
Classification: Likely benign for Hypertrophic cardiomyopathy. Last evaluated: 2021-04-22. Review status: criteria provided, single submitter. Criteria: Invitae Variant Classification Sherloc (09022015). Collection method: clinical testing. Allele origin: germline.

NM_000256.3(MYBPC3):c.3628-17_3628-14del

Gene: MYBPC3 (myosin binding protein C3; minus strand). Cytogenetic location: 11p11.2.
Variant type: Deletion.
Coding change: c.3628-17_3628-14del on transcript NM_000256.3 (MANE Select); 17 bases into the intron before coding-DNA position 3628 through 14 bases into the intron before coding-DNA position 3628, 4 bases deleted (CTTT; older notation c.3628-17_3628-14delCTTT).
Molecular consequence: intron variant.
Genome position (GRCh38, 1-based): chr11:47,332,272-47,332,275, AAAG deleted on the plus strand (CTTT on the coding strand, the reverse complement: MYBPC3 is on the minus strand); deleting any 4 consecutive bases within chr11:47,332,272-47,332,276 gives the same sequence; the c. name uses the placement nearest the transcript's 3' end. VCF-style (leftmost placement, unchanged base first): chr11-47332271-TAAAG-T. GRCh37 (hg19) VCF-style: chr11-47353822-TAAAG-T.
Identifiers: ClinVar variation 1553035 (VCV001553035.8), dbSNP rs1397090654, ClinGen allele CA599374103.